The following is an entry in ClinVar:

NM_014967.5(FAN1):c.326T>C (p.Leu109Ser)

Gene: FAN1 (FANCD2 and FANCI associated nuclease 1; plus strand). Cytogenetic location: 15q13.3.
Variant type: single nucleotide variant.
Coding change: c.326T>C on transcript NM_014967.5 (MANE Select); coding-DNA position 326, T replaced by C.
Protein change: p.Leu109Ser; replaces leucine 109 with serine.
Molecular consequence: missense variant.
Genome position (GRCh38, 1-based): chr15:30,904,989, T>C. VCF-style: chr15-30904989-T-C. GRCh37 (hg19) VCF-style: chr15-31197192-T-C.
Other names: p.Leu109Ser; c.326T>C, p.Leu109Ser (NM_001146094.2, NM_001146095.1, NM_001146096.2); short protein forms L109S.
Identifiers: ClinVar variation 785479 (VCV000785479.14), dbSNP rs76725957, ClinGen allele CA7450034.

ClinVar aggregate classification (germline): Benign/Likely benign. Review status: criteria provided, multiple submitters, no conflicts (2 of 4 stars). 5 submissions from 5 submitters: Benign (1); Likely benign (4). Last evaluated 2026-08-01.

Allele frequency attached by ClinVar (database versions not stated): gnomAD exomes 0.00039 and 0.00091; ExAC 0.00110; gnomAD 0.00343 and 0.00372; TOPMed 0.00395; 1000 Genomes Project 0.00439; 1000 Genomes Project 30x 0.00468; ESP Exome Variant Server 0.00484.

Submissions (5):

CeGaT Center for Human Genetics Tuebingen
Classification: Likely benign. Last evaluated: 2026-08-01. Review status: criteria provided, single submitter. Criteria: CeGaT Center For Human Genetics Tuebingen Variant Classification Criteria Version 2. Collection method: clinical testing. Allele origin: germline. Affected: yes. Observed: 1 variant allele.
Comment: FAN1: BP4, BS1

Labcorp Genetics (formerly Invitae), Labcorp
Classification: Benign. Last evaluated: 2025-12-25. Review status: criteria provided, single submitter. Criteria: Invitae Variant Classification Sherloc (09022015). Collection method: clinical testing. Allele origin: germline.

Mayo Clinic Laboratories, Mayo Clinic
Classification: Likely benign. Last evaluated: 2025-09-18. Review status: criteria provided, single submitter. Criteria: ACMG Guidelines, 2015. Collection method: clinical testing. Allele origin: germline. Observed: 1 variant allele.
Comment: BS1, BP4

GeneDx
Classification: Likely benign. Last evaluated: 2020-04-03. Review status: criteria provided, single submitter. Criteria: GeneDx Variant Classification Process June 2021. Collection method: clinical testing. Allele origin: germline. Affected: yes.

Breakthrough Genomics
Classification: Likely benign. Review status: criteria provided, single submitter. Criteria: ACMG Guidelines, 2015. Collection method: not provided. Allele origin: germline. Inheritance: Autosomal recessive inheritance. Affected: yes.